The following is an entry in ClinVar:

NM_016156.6(MTMR2):c.1830dup (p.Val611fs)

Gene: MTMR2 (myotubularin related protein 2; minus strand). Cytogenetic location: 11q21.
Variant type: Duplication.
Coding change: c.1830dup on transcript NM_016156.6 (MANE Select); coding-DNA position 1830, one base duplicated (A; older notation c.1830dupA).
Protein change: p.Val611fs; shifts the reading frame from valine 611.
Molecular consequence: frameshift variant.
Genome position (GRCh38, 1-based): chr11:95,835,392, T duplicated on the plus strand (A on the coding strand, the reverse complement: MTMR2 is on the minus strand); the first of 6 consecutive T bases (chr11:95,835,392-95,835,397); duplicating any one gives the same sequence. VCF-style (leftmost placement, unchanged base first): chr11-95835391-C-CT. GRCh37 (hg19) VCF-style: chr11-95568555-C-CT.
Other names: c.1614dup, p.Val539fs (NM_001243571.2, NM_201278.3, NM_201281.3); short protein forms V539fs, V611fs.
Identifiers: ClinVar variation 1992738 (VCV001992738.4), dbSNP rs2496390190, ClinGen allele CA2580085087.

ClinVar aggregate classification (germline): Uncertain significance (1 of 4 stars; one submission).

Conditions:
Charcot-Marie-Tooth disease type 4. Also called: Charcot-Marie-Tooth disease, type IV; Charcot-Marie-Tooth, Type 4. Identifiers: Orphanet 64749, MedGen C4082197, MONDO:0018995.

Submission:

Labcorp Genetics (formerly Invitae), Labcorp
Classification: Uncertain significance for Charcot-Marie-Tooth disease type 4. Last evaluated: 2022-05-10. Review status: criteria provided, single submitter. Criteria: Invitae Variant Classification Sherloc (09022015). Collection method: clinical testing. Allele origin: germline.
Comment: In summary, the available evidence is currently insufficient to determine the role of this variant in disease. Therefore, it has been classified as a Variant of Uncertain Significance. Experimental studies and prediction algorithms are not available or were not evaluated, and the functional significance of this variant is currently unknown. This variant has not been reported in the literature in individuals affected with MTMR2-related conditions. This variant is not present in population databases (gnomAD no frequency). This sequence change creates a premature translational stop signal (p.Val611Serfs*10) in the MTMR2 gene. While this is not anticipated to result in nonsense mediated decay, it is expected to disrupt the last 33 amino acid(s) of the MTMR2 protein.